The following is an entry in ClinVar:

NM_001163435.3(TBCK):c.381+5T>C

Gene: TBCK (TBC1 domain containing kinase; minus strand). Cytogenetic location: 4q24.
Variant type: single nucleotide variant.
Coding change: c.381+5T>C on transcript NM_001163435.3 (MANE Select); 5 bases into the intron after coding-DNA position 381, T replaced by C.
Molecular consequence: intron variant.
Genome position (GRCh38, 1-based): chr4:106,262,093, A>G on the plus strand (T>C on the coding strand, the complement: TBCK is on the minus strand). VCF-style: chr4-106262093-A-G. GRCh37 (hg19) VCF-style: chr4-107183250-A-G.
Other names: c.381+5T>C (NM_001163436.4, NM_001163437.3); c.267-10086T>C (NM_033115.5); c.-237+5T>C (NM_001290768.2).
Identifiers: ClinVar variation 2115138 (VCV002115138.4), dbSNP rs1162458671, ClinGen allele CA553851584.

ClinVar aggregate classification (germline): Uncertain significance (1 of 4 stars; one submission).

Allele frequency attached by ClinVar (database versions not stated): gnomAD exomes below 0.00001; gnomAD 0.00001.
gnomAD v4.1: 2 of 1,489,998 alleles (0.00013%); highest among the groups gnomAD compares: South Asian, 0.0013%; no homozygotes.

Submission:

Labcorp Genetics (formerly Invitae), Labcorp
Classification: Uncertain significance. Last evaluated: 2022-04-29. Review status: criteria provided, single submitter. Criteria: Invitae Variant Classification Sherloc (09022015). Collection method: clinical testing. Allele origin: germline.
Comment: In summary, the available evidence is currently insufficient to determine the role of this variant in disease. Therefore, it has been classified as a Variant of Uncertain Significance. Variants that disrupt the consensus splice site are a relatively common cause of aberrant splicing (PMID: 17576681, 9536098). Algorithms developed to predict the effect of sequence changes on RNA splicing suggest that this variant is not likely to affect RNA splicing. This variant has not been reported in the literature in individuals affected with TBCK-related conditions. This variant is present in population databases (no rsID available, gnomAD 0.007%). This sequence change falls in intron 4 of the TBCK gene. It does not directly change the encoded amino acid sequence of the TBCK protein. It affects a nucleotide within the consensus splice site.

Literature cited by the submitters: PubMed 17576681; PubMed 9536098.